The following is an entry in ClinVar:

ClinVar aggregate classification (germline): Uncertain significance (1 of 4 stars; one submission).

Conditions:
Werner syndrome (WRN). Identifiers: Orphanet 902, MedGen C0043119, MONDO:0010196, OMIM 277700.

Allele frequency attached by ClinVar (database versions not stated): TOPMed below 0.00001.

Submission:

Labcorp Genetics (formerly Invitae), Labcorp
Classification: Uncertain significance for Werner syndrome. Last evaluated: 2024-04-29. Review status: criteria provided, single submitter. Criteria: Invitae Variant Classification Sherloc (09022015). Collection method: clinical testing. Allele origin: germline.
Comment: This sequence change replaces glycine with serine at codon 634 of the WRN protein (p.Gly634Ser). The glycine residue is highly conserved and there is a small physicochemical difference between glycine and serine. This variant is not present in population databases (gnomAD no frequency). This variant has not been reported in the literature in individuals affected with WRN-related conditions. ClinVar contains an entry for this variant (Variation ID: 1422141). An algorithm developed to predict the effect of missense changes on protein structure and function (PolyPhen-2) suggests that this variant is likely to be disruptive. In summary, the available evidence is currently insufficient to determine the role of this variant in disease. Therefore, it has been classified as a Variant of Uncertain Significance.

NM_000553.6(WRN):c.1900G>A (p.Gly634Ser)

Gene: WRN (WRN RecQ like helicase; plus strand). Cytogenetic location: 8p12.
Variant type: single nucleotide variant.
Coding change: c.1900G>A on transcript NM_000553.6 (MANE Select); coding-DNA position 1900, G replaced by A.
Protein change: p.Gly634Ser; replaces glycine 634 with serine.
Molecular consequence: missense variant.
Genome position (GRCh38, 1-based): chr8:31,096,769, G>A. VCF-style: chr8-31096769-G-A. GRCh37 (hg19) VCF-style: chr8-30954285-G-A.
Other names: short protein forms G634S.
Identifiers: ClinVar variation 1422141 (VCV001422141.6), dbSNP rs1814001798, ClinGen allele CA370929518.